The following is an entry in ClinVar:

NM_001384474.1(LOXHD1):c.1899G>A (p.Trp633Ter)

Gene: LOXHD1 (lipoxygenase homology PLAT domains 1; minus strand). Cytogenetic location: 18q21.1.
Variant type: single nucleotide variant.
Coding change: c.1899G>A on transcript NM_001384474.1 (MANE Select); coding-DNA position 1899, G replaced by A.
Protein change: p.Trp633Ter; replaces tryptophan 633 with a stop codon.
Molecular consequence: nonsense.
Genome position (GRCh38, 1-based): chr18:46,577,778, C>T on the plus strand (G>A on the coding strand, the complement: LOXHD1 is on the minus strand). VCF-style: chr18-46577778-C-T. GRCh37 (hg19) VCF-style: chr18-44157741-C-T.
Other names: c.1899G>A, p.Trp633Ter (NM_144612.7); short protein forms W633*.
Identifiers: ClinVar variation 5014939 (VCV005014939.1).

ClinVar aggregate classification (germline): Pathogenic (1 of 4 stars; one submission).

Conditions:
Autosomal recessive nonsyndromic hearing loss 77. Identifiers: Orphanet 90636, MedGen C2746083, MONDO:0013119, OMIM 613079.

Submission:

Myriad Genetics, Inc.
Classification: Pathogenic for Autosomal recessive nonsyndromic hearing loss 77. Last evaluated: 2025-09-04. Review status: criteria provided, single submitter. Criteria: Myriad Autosomal Dominant, Autosomal Recessive and X-Linked Classification Criteria (2023). Collection method: clinical testing. Allele origin: unknown.
Comment: NM_144612.6(LOXHD1):c.1899G>A(W633*) is expected to be pathogenic in the context of nonsyndromic hearing loss, LOXHD1-related. This variant is predicted to lead to an abnormal or absent protein product due to the creation of a premature termination codon in LOXHD1, a gene where loss-of-function variants are known to be pathogenic. Please note: this variant was assessed in the context of healthy population screening.